The following is an entry in ClinVar:

ClinVar aggregate classification (germline): Uncertain significance. Review status: criteria provided, multiple submitters, no conflicts (2 of 4 stars). 2 submissions from 2 submitters: Uncertain significance (2). Last evaluated 2025-02-15.

Conditions:
Cardiovascular phenotype. Identifiers: MedGen CN230736.

Allele frequency attached by ClinVar (database versions not stated): gnomAD 0.00001; gnomAD exomes 0.00001.
gnomAD v4.1: 6 of 1,611,994 alleles (0.00037%); highest among the groups gnomAD compares: Non-Finnish European, 0.00034%; no homozygotes.

Submissions (2):

Labcorp Genetics (formerly Invitae), Labcorp
Classification: Uncertain significance. Last evaluated: 2025-02-15. Review status: criteria provided, single submitter. Criteria: Invitae Variant Classification Sherloc (09022015). Collection method: clinical testing. Allele origin: germline.
Comment: This sequence change replaces arginine, which is basic and polar, with histidine, which is basic and polar, at codon 1254 of the ALPK3 protein (p.Arg1254His). The frequency data for this variant in the population databases is considered unreliable, as metrics indicate poor data quality at this position in the gnomAD database. This variant has not been reported in the literature in individuals affected with ALPK3-related conditions. ClinVar contains an entry for this variant (Variation ID: 1491112). Invitae Evidence Modeling of protein sequence and biophysical properties (such as structural, functional, and spatial information, amino acid conservation, physicochemical variation, residue mobility, and thermodynamic stability) indicates that this missense variant is not expected to disrupt ALPK3 protein function with a negative predictive value of 80%. In summary, the available evidence is currently insufficient to determine the role of this variant in disease. Therefore, it has been classified as a Variant of Uncertain Significance.

Ambry Genetics
Classification: Uncertain significance for Cardiovascular phenotype. Last evaluated: 2023-06-26. Review status: criteria provided, single submitter. Criteria: Ambry Variant Classification Scheme 2023. Collection method: clinical testing. Allele origin: germline.
Comment: The p.R1254H variant (also known as c.3761G>A), located in coding exon 6 of the ALPK3 gene, results from a G to A substitution at nucleotide position 3761. The arginine at codon 1254 is replaced by histidine, an amino acid with highly similar properties. This amino acid position is conserved. In addition, this alteration is predicted to be tolerated by in silico analysis. Since supporting evidence is limited at this time, the clinical significance of this alteration remains unclear.

NM_020778.5(ALPK3):c.3155G>A (p.Arg1052His)

Gene: ALPK3 (alpha kinase 3; plus strand). Cytogenetic location: 15q25.3.
Variant type: single nucleotide variant.
Coding change: c.3155G>A on transcript NM_020778.5 (MANE Select); coding-DNA position 3155, G replaced by A.
Protein change: p.Arg1052His; replaces arginine 1052 with histidine.
Molecular consequence: missense variant.
Genome position (GRCh38, 1-based): chr15:84,857,893, G>A. VCF-style: chr15-84857893-G-A. GRCh37 (hg19) VCF-style: chr15-85401124-G-A.
Other names: c.3761G>A (NM_020778.4); short protein forms R1052H.
Identifiers: ClinVar variation 1491112 (VCV001491112.7), dbSNP rs980330574, ClinGen allele CA273625149.
Genomic context (GRCh38, chr15:84,857,893, plus strand): 5'-TGAGCCCCTGTACCTCCCGCCGCCTCACCGGCCTCCTGGACCGTGAGGTGCAGGCTGGCC[G>A]CCAGGCCCTTGCTGCTGCCCGAGGCTCCTGGGGTCCTGGTCCCAGCTCCCTCACTGTCCC-3'
Protein context (NP_065829.4, residues 1042-1062): GLLDREVQAG[Arg1052His]QALAAARGSW